The following is an entry in ClinVar:

ClinVar aggregate classification (germline): Uncertain significance (0 of 4 stars; one submission).

Conditions:
RPS6KA3-related disorder. Also called: RPS6KA3-related condition.

Submission:

PreventionGenetics, part of Exact Sciences
Classification: Uncertain significance for RPS6KA3-related condition. Last evaluated: 2024-07-26. Review status: no assertion criteria provided. Collection method: clinical testing. Allele origin: germline.
Comment: The RPS6KA3 c.1670T>C variant is predicted to result in the amino acid substitution p.Ile557Thr. To our knowledge, this variant has not been reported in the literature or in a large population database, indicating this variant is rare. At this time, the clinical significance of this variant is uncertain due to the absence of conclusive functional and genetic evidence.

NM_004586.3(RPS6KA3):c.1670T>C (p.Ile557Thr)

Gene: RPS6KA3 (ribosomal protein S6 kinase A3; minus strand). Cytogenetic location: Xp22.12.
Variant type: single nucleotide variant.
Coding change: c.1670T>C on transcript NM_004586.3 (MANE Select); coding-DNA position 1670, T replaced by C.
Protein change: p.Ile557Thr; replaces isoleucine 557 with threonine.
Molecular consequence: missense variant.
Genome position (GRCh38, 1-based): chrX:20,164,993, A>G on the plus strand (T>C on the coding strand, the complement: RPS6KA3 is on the minus strand). VCF-style: chrX-20164993-A-G. GRCh37 (hg19) VCF-style: chrX-20183111-A-G.
Other names: short protein forms I557T.
Identifiers: ClinVar variation 3345534 (VCV003345534.1).